The following is an entry in ClinVar:

NM_000021.4(PSEN1):c.*672G>A

Gene: PSEN1 (presenilin 1; plus strand). Cytogenetic location: 14q24.2.
Variant type: single nucleotide variant.
Coding change: c.*672G>A on transcript NM_000021.4 (MANE Select); 672 bases downstream of the stop codon, G replaced by A.
Molecular consequence: 3 prime UTR variant.
Genome position (GRCh38, 1-based): chr14:73,219,961, G>A. VCF-style: chr14-73219961-G-A. GRCh37 (hg19) VCF-style: chr14-73686669-G-A.
Other names: c.*672G>A (NM_007318.3).
Identifiers: ClinVar variation 313958 (VCV000313958.29), dbSNP rs192897390, ClinGen allele CA10635157.

ClinVar aggregate classification (germline): Conflicting classifications of pathogenicity. Review status: criteria provided, conflicting classifications (1 of 4 stars). 3 submissions from 2 submitters: Uncertain significance (1); Benign (1); Likely benign (1). Last evaluated 2022-05-01.

Conditions:
Alzheimer disease 3 (AD3). Also called: ALZHEIMER DISEASE, FAMILIAL, 3. Identifiers: Orphanet 1020, MedGen C1843013, MONDO:0011913, OMIM 607822.
Dilated cardiomyopathy 1U. Identifiers: Orphanet 154, MedGen C3160720, MONDO:0013371, OMIM 613694.

Allele frequency attached by ClinVar (database versions not stated): 1000 Genomes Project 0.00060; 1000 Genomes Project 30x 0.00109; gnomAD 0.00210 and 0.00225; TOPMed 0.00260; gnomAD exomes 0.00279.
gnomAD v4.1: 331 of 152,646 alleles (0.22%); highest among the groups gnomAD compares: Non-Finnish European, 0.33%; no homozygotes.

Submissions (3):

CeGaT Center for Human Genetics Tuebingen
Classification: Benign. Last evaluated: 2022-05-01. Review status: criteria provided, single submitter. Criteria: CeGaT Center For Human Genetics Tuebingen Variant Classification Criteria Version 2. Collection method: clinical testing. Allele origin: germline. Affected: yes. Observed: 1 variant allele.
Comment: PSEN1: BS1, BS2

Illumina Laboratory Services, Illumina
Classification: Likely benign for Alzheimer disease 3. Last evaluated: 2018-01-13. Review status: criteria provided, single submitter. Criteria: ICSL Variant Classification Criteria 13 December 2019. Collection method: clinical testing. Allele origin: germline.
Comment: This variant was observed in the ICSL laboratory as part of a predisposition screen in an ostensibly healthy population. It had not been previously curated by ICSL or reported in the Human Gene Mutation Database (HGMD: prior to June 1st, 2018), and was therefore a candidate for classification through an automated scoring system. Utilizing variant allele frequency, disease prevalence and penetrance estimates, and inheritance mode, an automated score was calculated to assess if this variant is too frequent to cause the disease. Based on the score and internal cut-off values, a variant classified as likely benign is not then subjected to further curation. The score for this variant resulted in a classification of likely benign for this disease.

Illumina Laboratory Services, Illumina
Classification: Uncertain significance for Dilated cardiomyopathy 1U. Last evaluated: 2018-01-13. Review status: criteria provided, single submitter. Criteria: ICSL Variant Classification Criteria 13 December 2019. Collection method: clinical testing. Allele origin: germline.